The following is an entry in ClinVar:

ClinVar aggregate classification (germline): Conflicting classifications of pathogenicity. Review status: criteria provided, conflicting classifications (1 of 4 stars). 2 submissions from 2 submitters: Pathogenic (1); Uncertain significance (1). Last evaluated 2025-10-22.

Conditions:
Bethlem myopathy 1A. Also called: Bethlem myopathy 1; MYOPATHY, BENIGN CONGENITAL, WITH CONTRACTURES; Bethlem Muscular Dystrophy. Identifiers: Orphanet 610, MedGen CN029274, MONDO:0024530, OMIM 158810.

Allele frequency attached by ClinVar (database versions not stated): gnomAD exomes below 0.00001; gnomAD 0.00001 and 0.00002; TOPMed 0.00001.
gnomAD v4.1: 5 of 1,612,682 alleles (0.00031%); highest among the groups gnomAD compares: Non-Finnish European, 0.00042%; no homozygotes.

Submissions (2):

Labcorp Genetics (formerly Invitae), Labcorp
Classification: Pathogenic for Bethlem myopathy 1A. Last evaluated: 2025-10-22. Review status: criteria provided, single submitter. Criteria: Invitae Variant Classification Sherloc (09022015). Collection method: clinical testing. Allele origin: germline.
Comment: This sequence change replaces glycine, which is neutral and non-polar, with glutamic acid, which is acidic and polar, at codon 499 of the COL6A2 protein (p.Gly499Glu). This variant is present in population databases (no rsID available, gnomAD 0.0009%). This missense change has been observed in individuals with clinical features of autosomal dominant COL6A2-related conditions (PMID: 21520333; internal data). It has also been observed to segregate with disease in related individuals. ClinVar contains an entry for this variant (Variation ID: 282182). Invitae Evidence Modeling of protein sequence and biophysical properties (such as structural, functional, and spatial information, amino acid conservation, physicochemical variation, residue mobility, and thermodynamic stability) indicates that this missense variant is expected to disrupt COL6A2 protein function with a positive predictive value of 80%. This variant disrupts the triple helix domain of COL6A2. Glycine residues within the Gly-Xaa-Yaa repeats of the triple helix domain are required for the structure and stability of fibrillar collagens (PMID: 7695699, 8218237, 19344236). In COL6A2, missense variants at these glycine residues are significantly enriched in individuals with autosomal dominant disease (PMID: 15689448, 24038877) compared to the general population (ExAC). For these reasons, this variant has been classified as Pathogenic.

Eurofins Ntd Llc (ga)
Classification: Uncertain significance. Last evaluated: 2015-07-31. Review status: criteria provided, single submitter. Criteria: EGL Classification Definitions 2015. Collection method: clinical testing. Allele origin: germline. Observed: 3 variant alleles, 3 heterozygotes.

Literature cited by the submitters: PubMed 21520333 (cited by Labcorp Genetics (formerly Invitae), Labcorp); PubMed 7695699 (cited by Labcorp Genetics (formerly Invitae), Labcorp); PubMed 8218237 (cited by Labcorp Genetics (formerly Invitae), Labcorp); PubMed 19344236 (cited by Labcorp Genetics (formerly Invitae), Labcorp); PubMed 15689448 (cited by Labcorp Genetics (formerly Invitae), Labcorp); PubMed 24038877 (cited by Labcorp Genetics (formerly Invitae), Labcorp).

NM_001849.4(COL6A2):c.1496G>A (p.Gly499Glu)

Gene: COL6A2 (collagen type VI alpha 2 chain; plus strand). Cytogenetic location: 21q22.3.
Variant type: single nucleotide variant.
Coding change: c.1496G>A on transcript NM_001849.4 (MANE Select); coding-DNA position 1496, G replaced by A.
Protein change: p.Gly499Glu; replaces glycine 499 with glutamic acid.
Molecular consequence: missense variant.
Genome position (GRCh38, 1-based): chr21:46,121,593, G>A. VCF-style: chr21-46121593-G-A. GRCh37 (hg19) VCF-style: chr21-47541507-G-A.
Other names: c.1496G>A, p.Gly499Glu (NM_058174.3, NM_058175.3); short protein forms G499E.
Identifiers: ClinVar variation 282182 (VCV000282182.13), dbSNP rs886042332, ClinGen allele CA10604094.